The following is an entry in ClinVar:

NM_004341.5(CAD):c.3845T>C (p.Met1282Thr)

Gene: CAD (carbamoyl-phosphate synthetase 2, aspartate transcarbamylase, and dihydroorotase; plus strand). Cytogenetic location: 2p23.3.
Variant type: single nucleotide variant.
Coding change: c.3845T>C on transcript NM_004341.5 (MANE Select); coding-DNA position 3845, T replaced by C.
Protein change: p.Met1282Thr; replaces methionine 1282 with threonine.
Molecular consequence: missense variant.
Genome position (GRCh38, 1-based): chr2:27,235,303, T>C. VCF-style: chr2-27235303-T-C. GRCh37 (hg19) VCF-style: chr2-27458171-T-C.
Other names: c.3656T>C, p.Met1219Thr (NM_001306079.2); short protein forms M1219T, M1282T.
Identifiers: ClinVar variation 3665532 (VCV003665532.2).

ClinVar aggregate classification (germline): Uncertain significance (1 of 4 stars; one submission).

Submission:

Labcorp Genetics (formerly Invitae), Labcorp
Classification: Uncertain significance. Last evaluated: 2025-01-08. Review status: criteria provided, single submitter. Criteria: Invitae Variant Classification Sherloc (09022015). Collection method: clinical testing. Allele origin: germline.
Comment: This sequence change replaces methionine, which is neutral and non-polar, with threonine, which is neutral and polar, at codon 1282 of the CAD protein (p.Met1282Thr). This variant is not present in population databases (gnomAD no frequency). This variant has not been reported in the literature in individuals affected with CAD-related conditions. Invitae Evidence Modeling of protein sequence and biophysical properties (such as structural, functional, and spatial information, amino acid conservation, physicochemical variation, residue mobility, and thermodynamic stability) indicates that this missense variant is expected to disrupt CAD protein function with a positive predictive value of 80%. In summary, the available evidence is currently insufficient to determine the role of this variant in disease. Therefore, it has been classified as a Variant of Uncertain Significance.